The following is an entry in ClinVar:

NM_018389.5(SLC35C1):c.356C>A (p.Pro119His)

Gene: SLC35C1 (solute carrier family 35 member C1; plus strand). Cytogenetic location: 11p11.2.
Variant type: single nucleotide variant.
Coding change: c.356C>A on transcript NM_018389.5 (MANE Select); coding-DNA position 356, C replaced by A.
Protein change: p.Pro119His; replaces proline 119 with histidine.
Molecular consequence: missense variant.
Genome position (GRCh38, 1-based): chr11:45,806,157, C>A. VCF-style: chr11-45806157-C-A. GRCh37 (hg19) VCF-style: chr11-45827708-C-A.
Other names: c.317C>A, p.Pro106His (NM_001145265.2, NM_001145266.2); short protein forms P119H, P106H.
Identifiers: ClinVar variation 571074 (VCV000571074.8), dbSNP rs1249225084, ClinGen allele CA380202806.

ClinVar aggregate classification (germline): Uncertain significance (1 of 4 stars; one submission).

Conditions:
Leukocyte adhesion deficiency type II. Also called: CDG IIc; Congenital disorder of glycosylation type 2C; CDG 2C; Leukocyte adhesion deficiency type 2; Rambam Hasharon syndrome; CONGENITAL DISORDER OF GLYCOSYLATION, TYPE IIc. Identifiers: Orphanet 2968, Orphanet 99843, MedGen C0398739, MONDO:0009953, OMIM 266265.

Allele frequency attached by ClinVar (database versions not stated): gnomAD 0.00001.
gnomAD v4.1: 1 of 1,606,502 alleles (0.000062%); highest among the groups gnomAD compares: African/African-American, 0.0013%; no homozygotes.

Submission:

Labcorp Genetics (formerly Invitae), Labcorp
Classification: Uncertain significance for Leukocyte adhesion deficiency type II. Last evaluated: 2018-02-19. Review status: criteria provided, single submitter. Criteria: Invitae Variant Classification Sherloc (09022015). Collection method: clinical testing. Allele origin: germline.
Comment: This variant is not present in population databases (ExAC no frequency). This sequence change replaces proline with histidine at codon 119 of the SLC35C1 protein (p.Pro119His). The proline residue is highly conserved and there is a moderate physicochemical difference between proline and histidine. This variant has not been reported in the literature in individuals with SLC35C1-related disease. In summary, the available evidence is currently insufficient to determine the role of this variant in disease. Therefore, it has been classified as a Variant of Uncertain Significance. Algorithms developed to predict the effect of missense changes on protein structure and function do not agree on the potential impact of this missense change (SIFT: "Deleterious"; PolyPhen-2: "Probably Damaging"; Align-GVGD: "Class C0").